The following is an entry in ClinVar:

ClinVar aggregate classification (germline): Likely benign. Review status: criteria provided, multiple submitters, no conflicts (2 of 4 stars). 3 submissions from 3 submitters: Likely benign (2). 1 of the submissions does not count toward it. Last evaluated 2026-03-01.

Conditions:
SETD1B-related disorder. Also called: SETD1B-related condition.

Allele frequency attached by ClinVar (database versions not stated): gnomAD exomes 0.00025; 1000 Genomes Project 0.00080; 1000 Genomes Project 30x 0.00094; TOPMed 0.00279; ESP Exome Variant Server 0.00285; ExAC 0.00117; gnomAD 0.00238.
gnomAD v4.1: 726 of 1,548,664 alleles (0.047%); highest among the groups gnomAD compares: African/African-American, 0.75%; 2 homozygotes.

Submissions (3):

CeGaT Center for Human Genetics Tuebingen
Classification: Likely benign. Last evaluated: 2026-03-01. Review status: criteria provided, single submitter. Criteria: CeGaT Center For Human Genetics Tuebingen Variant Classification Criteria Version 2. Collection method: clinical testing. Allele origin: germline. Affected: yes. Observed: 2 variant alleles.
Comment: SETD1B: BS1

Blueprint Genetics
Classification: Likely benign. Last evaluated: 2024-10-09. Review status: criteria provided, single submitter. Criteria: ACMG Guidelines, 2015. Collection method: clinical testing. Allele origin: germline.

PreventionGenetics, part of Exact Sciences
Classification: Benign for SETD1B-related condition. Last evaluated: 2024-03-27. Review status: no assertion criteria provided. Collection method: clinical testing. Allele origin: germline. Not counted in ClinVar's aggregate classification.
Comment: This variant is classified as benign based on ACMG/AMP sequence variant interpretation guidelines (Richards et al. 2015 PMID: 25741868, with internal and published modifications).

NM_001353345.2(SETD1B):c.2817C>T (p.Gly939=)

Gene: SETD1B (SET domain containing 1B, histone lysine methyltransferase; plus strand). Cytogenetic location: 12q24.31.
Variant type: single nucleotide variant.
Coding change: c.2817C>T on transcript NM_001353345.2 (MANE Select); coding-DNA position 2817, C replaced by T.
Protein change: p.Gly939=; no amino-acid change (glycine 939 retained).
Molecular consequence: synonymous variant.
Genome position (GRCh38, 1-based): chr12:121,817,134, C>T. VCF-style: chr12-121817134-C-T. GRCh37 (hg19) VCF-style: chr12-122255040-C-T.
Other names: NM_015048.1:c.2817C>T.
Identifiers: ClinVar variation 2643456 (VCV002643456.25), dbSNP rs151217970, ClinGen allele CA6838989.
Genomic context (GRCh38, chr12:121,817,134, plus strand): 5'-GGACAGGCCGAAGCCCAAGGACCGCATCGCCTCGTGCCTGCTGGAGTCATGGGGCAAGGG[C>T]GAGGGCCTGGGCTACGAGGGCCTGGGCCTGGGCATTGGGCTGCGTGGGGCCATTCGCCTG-3'
Protein context (NP_001340274.1, residues 929-949): ASCLLESWGK[Gly939=]EGLGYEGLGL